The following is an entry in ClinVar:

NM_002691.4(POLD1):c.313G>C (p.Val105Leu)

Gene: POLD1 (DNA polymerase delta 1, catalytic subunit; plus strand). Cytogenetic location: 19q13.33.
Variant type: single nucleotide variant.
Coding change: c.313G>C on transcript NM_002691.4 (MANE Select); coding-DNA position 313, G replaced by C.
Protein change: p.Val105Leu; replaces valine 105 with leucine.
Molecular consequence: missense variant. On other transcripts: non-coding transcript variant (1).
Genome position (GRCh38, 1-based): chr19:50,399,481, G>C. VCF-style: chr19-50399481-G-C. GRCh37 (hg19) VCF-style: chr19-50902738-G-C.
Other names: c.313G>C, p.Val105Leu (NM_001256849.1, NM_001308632.1, NM_001438210.1 and 3 more transcripts); short protein forms V105L.
Identifiers: ClinVar variation 4141014 (VCV004141014.2).

ClinVar aggregate classification (germline): Uncertain significance. Review status: criteria provided, multiple submitters, no conflicts (2 of 4 stars). 2 submissions from 2 submitters: Uncertain significance (2). Last evaluated 2025-08-03.

Conditions:
Hereditary cancer-predisposing syndrome. Also called: Hereditary neoplastic syndrome; Neoplastic Syndromes, Hereditary; Tumor predisposition; Hereditary Cancer Syndrome. Identifiers: Orphanet 140162, MedGen C0027672, MeSH D009386, MONDO:0015356.
POLD1-related polyposis and colorectal cancer syndrome (CRCS10). Also called: Colorectal cancer, susceptibility to, 10; Colorectal cancer 10; COLORECTAL CANCER, SUSCEPTIBILITY TO, ON CHROMOSOME 19q. Identifiers: Orphanet 220460, MedGen C2675481, MONDO:0012953, OMIM 612591.

gnomAD v4.1: 1 of 1,608,384 alleles (0.000062%); highest among the groups gnomAD compares: Non-Finnish European, 0.000085%; no homozygotes.

Submissions (2):

Ambry Genetics
Classification: Uncertain significance for Hereditary cancer-predisposing syndrome. Last evaluated: 2025-08-03. Review status: criteria provided, single submitter. Criteria: Ambry Variant Classification Scheme 2023. Collection method: clinical testing. Allele origin: germline.
Comment: The p.V105L variant (also known as c.313G>C), located in coding exon 2 of the POLD1 gene, results from a G to C substitution at nucleotide position 313. The valine at codon 105 is replaced by leucine, an amino acid with highly similar properties. This amino acid position is conserved. In addition, this alteration is predicted to be tolerated by in silico analysis. Based on the available evidence, the clinical significance of this variant remains unclear.

Labcorp Genetics (formerly Invitae), Labcorp
Classification: Uncertain significance for POLD1-related polyposis and colorectal cancer syndrome. Last evaluated: 2025-06-24. Review status: criteria provided, single submitter. Criteria: Invitae Variant Classification Sherloc (09022015). Collection method: clinical testing. Allele origin: germline.
Comment: This sequence change replaces valine, which is neutral and non-polar, with leucine, which is neutral and non-polar, at codon 105 of the POLD1 protein (p.Val105Leu). This variant is not present in population databases (gnomAD no frequency). This variant has not been reported in the literature in individuals affected with POLD1-related conditions. Invitae Evidence Modeling of protein sequence and biophysical properties (such as structural, functional, and spatial information, amino acid conservation, physicochemical variation, residue mobility, and thermodynamic stability) indicates that this missense variant is not expected to disrupt POLD1 protein function with a negative predictive value of 80%. In summary, the available evidence is currently insufficient to determine the role of this variant in disease. Therefore, it has been classified as a Variant of Uncertain Significance.